The following is an entry in ClinVar:

ClinVar aggregate classification (germline): Pathogenic/Likely pathogenic. Review status: criteria provided, multiple submitters, no conflicts (2 of 4 stars). 2 submissions from 2 submitters: Pathogenic (1); Likely pathogenic (1). Last evaluated 2020-08-15.

Conditions:
LAMA2-related muscular dystrophy (LAMA2-RD). Also called: Laminin alpha 2-related dystrophy. Identifiers: MedGen C5679788, MONDO:0100228.

Submissions (2):

Labcorp Genetics (formerly Invitae), Labcorp
Classification: Pathogenic for LAMA2-related muscular dystrophy. Last evaluated: 2020-08-15. Review status: criteria provided, single submitter. Criteria: Invitae Variant Classification Sherloc (09022015). Collection method: clinical testing. Allele origin: germline.
Comment: This sequence change creates a premature translational stop signal (p.Tyr168*) in the LAMA2 gene. It is expected to result in an absent or disrupted protein product. For these reasons, this variant has been classified as Pathogenic. Loss-of-function variants in LAMA2 are known to be pathogenic (PMID: 18700894). This variant has not been reported in the literature in individuals with LAMA2-related conditions. This variant is not present in population databases (ExAC no frequency).

Myriad Genetics, Inc.
Classification: Likely pathogenic for LAMA2-related muscular dystrophy. Last evaluated: 2019-09-27. Review status: criteria provided, single submitter. Criteria: Myriad Autosomal Dominant, Autosomal Recessive and X-Linked Classification Criteria (2023). Collection method: clinical testing. Allele origin: unknown.
Comment: NM_000426.3(LAMA2):c.504T>A(Y168*) is expected to be pathogenic in the context of LAMA2-related muscular dystrophy. This variant is predicted to lead to an abnormal or absent protein product due to the creation of a premature termination codon in LAMA2, a gene where loss-of-function variants are known to be pathogenic. Please note: this variant was assessed in the context of healthy population screening.

Literature cited by the submitters: PubMed 18700894 (cited by Labcorp Genetics (formerly Invitae), Labcorp).

NM_000426.4(LAMA2):c.504T>A (p.Tyr168Ter)

Gene: LAMA2 (laminin subunit alpha 2; plus strand). Cytogenetic location: 6q22.33.
Variant type: single nucleotide variant.
Coding change: c.504T>A on transcript NM_000426.4 (MANE Select); coding-DNA position 504, T replaced by A.
Protein change: p.Tyr168Ter; replaces tyrosine 168 with a stop codon.
Molecular consequence: nonsense.
Genome position (GRCh38, 1-based): chr6:129,098,280, T>A. VCF-style: chr6-129098280-T-A. GRCh37 (hg19) VCF-style: chr6-129419425-T-A.
Other names: c.504T>A, p.Tyr168Ter (NM_001079823.2); short protein forms Y168*.
Identifiers: ClinVar variation 983621 (VCV000983621.11), dbSNP rs1008335405, ClinGen allele CA147280362.